The following is an entry in ClinVar:

NM_021926.4(ALX4):c.771C>T (p.Arg257=)

Gene: ALX4 (ALX homeobox 4; minus strand). Cytogenetic location: 11p11.2.
Variant type: single nucleotide variant.
Coding change: c.771C>T on transcript NM_021926.4 (MANE Select); coding-DNA position 771, C replaced by T.
Protein change: p.Arg257=; no amino-acid change (arginine 257 retained).
Molecular consequence: synonymous variant.
Genome position (GRCh38, 1-based): chr11:44,275,354, G>A on the plus strand (C>T on the coding strand, the complement: ALX4 is on the minus strand). VCF-style: chr11-44275354-G-A. GRCh37 (hg19) VCF-style: chr11-44296904-G-A.
Identifiers: ClinVar variation 3043724 (VCV003043724.2), dbSNP rs146633975, ClinGen allele CA5955661.

ClinVar aggregate classification (germline): Likely benign (0 of 4 stars; one submission).

Conditions:
ALX4-related disorder. Also called: ALX4-related condition.

Allele frequency attached by ClinVar (database versions not stated): ExAC 0.00007; gnomAD 0.00011; TOPMed 0.00017; ESP Exome Variant Server 0.00054.
gnomAD v4.1: 65 of 1,614,052 alleles (0.004%); highest among the groups gnomAD compares: African/African-American, 0.025%; no homozygotes.

Submission:

PreventionGenetics, part of Exact Sciences
Classification: Likely benign for ALX4-related condition. Last evaluated: 2019-06-03. Review status: no assertion criteria provided. Collection method: clinical testing. Allele origin: germline.
Comment: This variant is classified as likely benign based on ACMG/AMP sequence variant interpretation guidelines (Richards et al. 2015 PMID: 25741868, with internal and published modifications).